The following is an entry in ClinVar:

NM_005477.3(HCN4):c.2998C>A (p.Gln1000Lys)

Gene: HCN4 (hyperpolarization activated cyclic nucleotide gated potassium channel 4; minus strand). Cytogenetic location: 15q24.1.
Variant type: single nucleotide variant.
Coding change: c.2998C>A on transcript NM_005477.3 (MANE Select); coding-DNA position 2998, C replaced by A.
Protein change: p.Gln1000Lys; replaces glutamine 1000 with lysine.
Molecular consequence: missense variant.
Genome position (GRCh38, 1-based): chr15:73,323,095, G>T on the plus strand (C>A on the coding strand, the complement: HCN4 is on the minus strand). VCF-style: chr15-73323095-G-T. GRCh37 (hg19) VCF-style: chr15-73615436-G-T.
Other names: short protein forms Q1000K.
Identifiers: ClinVar variation 1346127 (VCV001346127.6), dbSNP rs1417479645, ClinGen allele CA393086506.

ClinVar aggregate classification (germline): Uncertain significance (1 of 4 stars; one submission).

Conditions:
Brugada syndrome 8 (BRGDA8). Identifiers: Orphanet 130, MedGen C2751083, MONDO:0013148, OMIM 613123.

gnomAD v4.1: 3 of 1,588,334 alleles (0.00019%); highest among the groups gnomAD compares: Non-Finnish European, 0.00026%; no homozygotes.

Submission:

Labcorp Genetics (formerly Invitae), Labcorp
Classification: Uncertain significance for Brugada syndrome 8. Last evaluated: 2024-07-06. Review status: criteria provided, single submitter. Criteria: Invitae Variant Classification Sherloc (09022015). Collection method: clinical testing. Allele origin: germline.
Comment: This sequence change replaces glutamine, which is neutral and polar, with lysine, which is basic and polar, at codon 1000 of the HCN4 protein (p.Gln1000Lys). This variant is not present in population databases (gnomAD no frequency). This variant has not been reported in the literature in individuals affected with HCN4-related conditions. ClinVar contains an entry for this variant (Variation ID: 1346127). Advanced modeling of protein sequence and biophysical properties (such as structural, functional, and spatial information, amino acid conservation, physicochemical variation, residue mobility, and thermodynamic stability) performed at Invitae indicates that this missense variant is not expected to disrupt HCN4 protein function with a negative predictive value of 95%. In summary, the available evidence is currently insufficient to determine the role of this variant in disease. Therefore, it has been classified as a Variant of Uncertain Significance.